The following is an entry in ClinVar:

NM_198253.3(TERT):c.2382+6G>A

Gene: TERT (telomerase reverse transcriptase; minus strand). Cytogenetic location: 5p15.33.
Variant type: single nucleotide variant.
Coding change: c.2382+6G>A on transcript NM_198253.3 (MANE Select); 6 bases into the intron after coding-DNA position 2382, G replaced by A.
Molecular consequence: intron variant.
Genome position (GRCh38, 1-based): chr5:1,272,179, C>T on the plus strand (G>A on the coding strand, the complement: TERT is on the minus strand). VCF-style: chr5-1272179-C-T. GRCh37 (hg19) VCF-style: chr5-1272294-C-T.
Other names: c.2382+6G>A (NM_001193376.3).
Identifiers: ClinVar variation 1040117 (VCV001040117.7), dbSNP rs1400066265, ClinGen allele CA1522558689.

ClinVar aggregate classification (germline): Uncertain significance (1 of 4 stars; one submission).

Conditions:
Dyskeratosis congenita, autosomal dominant 2. Identifiers: MedGen C3151443, MONDO:0013521, OMIM 613989.
Idiopathic Pulmonary Fibrosis. Also called: Idiopathic fibrosing alveolitis, chronic form; idiopathic fibrosing alveolitis. Identifiers: Orphanet 2032, MedGen C1800706, MeSH D054990, MONDO:0800504.

Allele frequency attached by ClinVar (database versions not stated): gnomAD exomes below 0.00001.
gnomAD v4.1: 1 of 1,605,822 alleles (0.000062%); highest among the groups gnomAD compares: Non-Finnish European, 0.000085%; no homozygotes.

Submission:

Labcorp Genetics (formerly Invitae), Labcorp
Classification: Uncertain significance for Dyskeratosis congenita, autosomal dominant 2; Idiopathic Pulmonary Fibrosis. Last evaluated: 2020-10-03. Review status: criteria provided, single submitter. Criteria: Invitae Variant Classification Sherloc (09022015). Collection method: clinical testing. Allele origin: germline.
Comment: In summary, the available evidence is currently insufficient to determine the role of this variant in disease. Therefore, it has been classified as a Variant of Uncertain Significance. Nucleotide substitutions within the consensus splice site are a relatively common cause of aberrant splicing (PMID: 17576681, 9536098). Algorithms developed to predict the effect of sequence changes on RNA splicing suggest that this variant is not likely to affect RNA splicing, but this prediction has not been confirmed by published transcriptional studies. This variant has not been reported in the literature in individuals with TERT-related conditions. This variant is not present in population databases (ExAC no frequency). This sequence change falls in intron 7 of the TERT gene. It does not directly change the encoded amino acid sequence of the TERT protein, but it affects a nucleotide within the consensus splice site of the intron.

Literature cited by the submitters: PubMed 17576681; PubMed 9536098.